The following is an entry in ClinVar:

NM_001312673.2(PCYT1A):c.1051C>T (p.Leu351Phe)

Gene: PCYT1A (phosphate cytidylyltransferase 1A, choline; minus strand). Cytogenetic location: 3q29.
Variant type: single nucleotide variant.
Coding change: c.1051C>T on transcript NM_001312673.2 (MANE Select); coding-DNA position 1051, C replaced by T.
Protein change: p.Leu351Phe; replaces leucine 351 with phenylalanine.
Molecular consequence: missense variant.
Genome position (GRCh38, 1-based): chr3:196,238,741, G>A on the plus strand (C>T on the coding strand, the complement: PCYT1A is on the minus strand). VCF-style: chr3-196238741-G-A. GRCh37 (hg19) VCF-style: chr3-195965612-G-A.
Other names: c.1051C>T, p.Leu351Phe (NM_005017.4); short protein forms L351F.
Identifiers: ClinVar variation 2816841 (VCV002816841.3), dbSNP rs747858848, ClinGen allele CA2779336.
Genomic context (GRCh38, chr3:196,238,741, plus strand): 5'-GGAAACATTAGTCTTCTTCATCCTCACTGATATCATAGGCTGCAGCCTTGTGCCTGGAGA[G>A]ATTTGCTGGGGAGCAAGGTGGGGAAGTCTTGCCGGAGAAGGGCCATCGGAAAGAGGGGGA-3'
Protein context (NP_001299602.1, residues 341-361): KTSPPCSPAN[Leu351Phe]SRHKAAAYDI

ClinVar aggregate classification (germline): Uncertain significance (1 of 4 stars; one submission).

Allele frequency attached by ClinVar (database versions not stated): gnomAD exomes below 0.00001; ExAC 0.00002.
gnomAD v4.1: 4 of 1,592,644 alleles (0.00025%); highest among the groups gnomAD compares: Admixed American, 0.0053%; no homozygotes.

Submission:

Labcorp Genetics (formerly Invitae), Labcorp
Classification: Uncertain significance. Last evaluated: 2023-05-16. Review status: criteria provided, single submitter. Criteria: Invitae Variant Classification Sherloc (09022015). Collection method: clinical testing. Allele origin: germline.
Comment: This variant is present in population databases (rs747858848, gnomAD 0.007%). In summary, the available evidence is currently insufficient to determine the role of this variant in disease. Therefore, it has been classified as a Variant of Uncertain Significance. Advanced modeling of protein sequence and biophysical properties (such as structural, functional, and spatial information, amino acid conservation, physicochemical variation, residue mobility, and thermodynamic stability) performed at Invitae indicates that this missense variant is not expected to disrupt PCYT1A protein function. This variant has not been reported in the literature in individuals affected with PCYT1A-related conditions. This sequence change replaces leucine, which is neutral and non-polar, with phenylalanine, which is neutral and non-polar, at codon 351 of the PCYT1A protein (p.Leu351Phe).